The following is an entry in ClinVar:

ClinVar aggregate classification (germline): Uncertain significance (1 of 4 stars; one submission).

Submission:

Labcorp Genetics (formerly Invitae), Labcorp
Classification: Uncertain significance. Last evaluated: 2022-10-17. Review status: criteria provided, single submitter. Criteria: Invitae Variant Classification Sherloc (09022015). Collection method: clinical testing. Allele origin: germline.
Comment: This variant has not been reported in the literature in individuals affected with LAMC3-related conditions. This variant is not present in population databases (gnomAD no frequency). This sequence change replaces serine, which is neutral and polar, with isoleucine, which is neutral and non-polar, at codon 533 of the LAMC3 protein (p.Ser533Ile). ClinVar contains an entry for this variant (Variation ID: 1460860). In summary, the available evidence is currently insufficient to determine the role of this variant in disease. Therefore, it has been classified as a Variant of Uncertain Significance. Algorithms developed to predict the effect of missense changes on protein structure and function (SIFT, PolyPhen-2, Align-GVGD) all suggest that this variant is likely to be tolerated.

NM_006059.4(LAMC3):c.1598G>T (p.Ser533Ile)

Gene: LAMC3 (laminin subunit gamma 3; plus strand). Cytogenetic location: 9q34.12.
Variant type: single nucleotide variant.
Coding change: c.1598G>T on transcript NM_006059.4 (MANE Select); coding-DNA position 1598, G replaced by T.
Protein change: p.Ser533Ile; replaces serine 533 with isoleucine.
Molecular consequence: missense variant.
Genome position (GRCh38, 1-based): chr9:131,049,098, G>T. VCF-style: chr9-131049098-G-T. GRCh37 (hg19) VCF-style: chr9-133924485-G-T.
Other names: short protein forms S533I.
Identifiers: ClinVar variation 1460860 (VCV001460860.4), dbSNP rs1834234092, ClinGen allele CA375263325.